The following is an entry in ClinVar:

NM_024528.4(NKAP):c.512G>T (p.Ser171Ile)

Gene: NKAP (NFKB activating protein; minus strand). Cytogenetic location: Xq24.
Variant type: single nucleotide variant.
Coding change: c.512G>T on transcript NM_024528.4 (MANE Select); coding-DNA position 512, G replaced by T.
Protein change: p.Ser171Ile; replaces serine 171 with isoleucine.
Molecular consequence: missense variant.
Genome position (GRCh38, 1-based): chrX:119,936,638, C>A on the plus strand (G>T on the coding strand, the complement: NKAP is on the minus strand). VCF-style: chrX-119936638-C-A. GRCh37 (hg19) VCF-style: chrX-119070601-C-A.
Other names: short protein forms S171I.
Identifiers: ClinVar variation 3767493 (VCV003767493.1).

ClinVar aggregate classification (germline): Uncertain significance (1 of 4 stars; one submission).

gnomAD v4.1: 11 of 1,179,201 alleles (0.00093%); highest among the groups gnomAD compares: East Asian, 0.033%; no homozygotes.

Submission:

GeneDx
Classification: Uncertain significance. Last evaluated: 2024-09-08. Review status: criteria provided, single submitter. Criteria: GeneDx Variant Classification Process June 2021. Collection method: clinical testing. Allele origin: germline. Affected: yes.
Comment: Has not been previously published as pathogenic or benign to our knowledge; Not observed at significant frequency in large population cohorts (gnomAD); In silico analysis supports that this missense variant has a deleterious effect on protein structure/function